The following is an entry in ClinVar:

NM_020433.5(JPH2):c.379+8052T>C

Gene: JPH2 (junctophilin 2; minus strand). Cytogenetic location: 20q13.12.
Variant type: single nucleotide variant.
Coding change: c.379+8052T>C on transcript NM_020433.5 (MANE Select); 8052 bases into the intron after coding-DNA position 379, T replaced by C.
Molecular consequence: intron variant.
Genome position (GRCh38, 1-based): chr20:44,178,275, A>G on the plus strand (T>C on the coding strand, the complement: JPH2 is on the minus strand). VCF-style: chr20-44178275-A-G. GRCh37 (hg19) VCF-style: chr20-42806915-A-G.
Other names: c.380-303T>C (NM_175913.4).
Identifiers: ClinVar variation 669417 (VCV000669417.1), dbSNP rs74325346, ClinGen allele CA314640742.

ClinVar aggregate classification (germline): Likely benign (1 of 4 stars; one submission).

Allele frequency attached by ClinVar (database versions not stated): 1000 Genomes Project 0.00859; 1000 Genomes Project 30x 0.00890; gnomAD 0.01003 and 0.01057; TOPMed 0.01027.
gnomAD v4.1: 1,595 of 152,376 alleles (1%); highest among the groups gnomAD compares: South Asian, 1.8%; 9 homozygotes.

Submission:

GeneDx
Classification: Likely benign. Last evaluated: 2018-06-19. Review status: criteria provided, single submitter. Criteria: GeneDx Variant Classification (06012015). Collection method: clinical testing. Allele origin: germline. Affected: yes.
Comment: This variant is considered likely benign or benign based on one or more of the following criteria: it is a conservative change, it occurs at a poorly conserved position in the protein, it is predicted to be benign by multiple in silico algorithms, and/or has population frequency not consistent with disease.